The following is an entry in ClinVar:

ClinVar aggregate classification (germline): Uncertain significance (1 of 4 stars; one submission).

gnomAD v4.1: 2 of 1,613,906 alleles (0.00012%); highest among the groups gnomAD compares: Non-Finnish European, 0.00017%; no homozygotes.

Submission:

GeneDx
Classification: Uncertain significance. Last evaluated: 2025-03-25. Review status: criteria provided, single submitter. Criteria: GeneDx Variant Classification Process June 2021. Collection method: clinical testing. Allele origin: germline. Affected: yes.
Comment: Not observed at significant frequency in large population cohorts (gnomAD); In silico analysis indicates that this missense variant does not alter protein structure/function; Has not been previously published as pathogenic or benign to our knowledge

NM_015215.4(CAMTA1):c.1243A>G (p.Thr415Ala)

Gene: CAMTA1 (calmodulin binding transcription activator 1; plus strand). Cytogenetic location: 1p36.23.
Variant type: single nucleotide variant.
Coding change: c.1243A>G on transcript NM_015215.4 (MANE Select); coding-DNA position 1243, A replaced by G.
Protein change: p.Thr415Ala; replaces threonine 415 with alanine.
Molecular consequence: missense variant.
Genome position (GRCh38, 1-based): chr1:7,663,790, A>G. VCF-style: chr1-7663790-A-G. GRCh37 (hg19) VCF-style: chr1-7723850-A-G.
Other names: c.1153A>G, p.Thr385Ala (NM_001349608.2, NM_001349612.2); c.1243A>G, p.Thr415Ala (NM_001349609.2, NM_001349610.2, NM_001410737.1); c.1171A>G, p.Thr391Ala (NM_001410738.1); short protein forms T385A, T391A, T415A.
Identifiers: ClinVar variation 4087925 (VCV004087925.1).
Genomic context (GRCh38, chr1:7,663,790, plus strand): 5'-CAGAGCGCCACGGTGTTCATGTCAGAGGTCACCAATGAGGCCGTGTACACCATGTCCCCC[A>G]CCGCTGGCCCCAACCACCACCTCCTCTCACCTGACGCCTCTCAGGGCCTCGTCCTGGCCG-3'
Protein context (NP_056030.1, residues 405-425): TNEAVYTMSP[Thr415Ala]AGPNHHLLSP